The following is an entry in ClinVar:

NM_000213.5(ITGB4):c.2468G>T (p.Arg823Leu)

Gene: ITGB4 (integrin subunit beta 4; plus strand). Cytogenetic location: 17q25.1.
Variant type: single nucleotide variant.
Coding change: c.2468G>T on transcript NM_000213.5 (MANE Select); coding-DNA position 2468, G replaced by T.
Protein change: p.Arg823Leu; replaces arginine 823 with leucine.
Molecular consequence: missense variant.
Genome position (GRCh38, 1-based): chr17:75,740,379, G>T. VCF-style: chr17-75740379-G-T. GRCh37 (hg19) VCF-style: chr17-73736460-G-T.
Other names: c.2468G>T, p.Arg823Leu (NM_001005619.2, NM_001005731.3, NM_001321123.2); short protein forms R823L.
Identifiers: ClinVar variation 2136004 (VCV002136004.2), dbSNP rs536954831, ClinGen allele CA8769417.

ClinVar aggregate classification (germline): Uncertain significance. Review status: criteria provided, multiple submitters, no conflicts (2 of 4 stars). 2 submissions from 2 submitters: Uncertain significance (2). Last evaluated 2023-10-02.

Conditions:
Inborn genetic diseases. Identifiers: MedGen C0950123, MeSH D030342.

Submissions (2):

Ambry Genetics
Classification: Uncertain significance for Inborn genetic diseases. Last evaluated: 2023-10-02. Review status: criteria provided, single submitter. Criteria: Ambry Variant Classification Scheme 2023. Collection method: clinical testing. Allele origin: germline.

GeneDx
Classification: Uncertain significance. Last evaluated: 2022-07-18. Review status: criteria provided, single submitter. Criteria: GeneDx Variant Classification Process June 2021. Collection method: clinical testing. Allele origin: germline. Affected: yes.
Comment: In silico analysis supports that this missense variant has a deleterious effect on protein structure/function; Has not been previously published as pathogenic or benign to our knowledge